The following is an entry in ClinVar:

ClinVar aggregate classification (germline): Likely pathogenic (1 of 4 stars; one submission).

Submission:

Dasa
Classification: Likely pathogenic. Last evaluated: 2025-03-10. Review status: criteria provided, single submitter. Criteria: DASA Assertion Criteria. Collection method: clinical testing. Allele origin: germline.
Comment: NM_001256789.3(CACNA1F):c.1221G>A (p.Trp407*) is a nonsense variant in CACNA1F predicted to introduce a premature termination codon and is predicted to result in an absent or altered protein product. Loss of function is an established disease mechanism for CACNA1F-associated disorders. Also, this variant is absent from population databases. Based on the currently available evidence, this variant is classified as likely pathogenic.

NM_001256789.3(CACNA1F):c.1221G>A (p.Trp407Ter)

Gene: CACNA1F (calcium voltage-gated channel subunit alpha1 F; minus strand). Cytogenetic location: Xp11.23.
Variant type: single nucleotide variant.
Coding change: c.1221G>A on transcript NM_001256789.3 (MANE Select); coding-DNA position 1221, G replaced by A.
Protein change: p.Trp407Ter; replaces tryptophan 407 with a stop codon.
Molecular consequence: nonsense.
Genome position (GRCh38, 1-based): chrX:49,227,025, C>T on the plus strand (G>A on the coding strand, the complement: CACNA1F is on the minus strand). VCF-style: chrX-49227025-C-T. GRCh37 (hg19) VCF-style: chrX-49083487-C-T.
Other names: c.1026G>A, p.Trp342Ter (NM_001256790.3); c.1221G>A, p.Trp407Ter (NM_005183.4); short protein forms W342*, W407*.
Identifiers: ClinVar variation 4885714 (VCV004885714.2).